The following is an entry in ClinVar:

NM_000466.3(PEX1):c.1137G>A (p.Glu379=)

Gene: PEX1 (peroxisomal biogenesis factor 1; minus strand). Cytogenetic location: 7q21.2.
Variant type: single nucleotide variant.
Coding change: c.1137G>A on transcript NM_000466.3 (MANE Select); coding-DNA position 1137, G replaced by A.
Protein change: p.Glu379=; no amino-acid change (glutamic acid 379 retained).
Molecular consequence: synonymous variant.
Genome position (GRCh38, 1-based): chr7:92,517,378, C>T on the plus strand (G>A on the coding strand, the complement: PEX1 is on the minus strand). VCF-style: chr7-92517378-C-T. GRCh37 (hg19) VCF-style: chr7-92146692-C-T.
Other names: c.1137G>A, p.Glu379= (NM_001282677.2); c.513G>A, p.Glu171= (NM_001282678.2).
Identifiers: ClinVar variation 3032199 (VCV003032199.2), dbSNP rs2484702083, ClinGen allele CA456623798.
Genomic context (GRCh38, chr7:92,517,378, plus strand): 5'-TTTGATGGCATTGTTCAATTCTTCAAGTCCATTCCAGACTACTTGTAGCACACAGGCCTT[C>T]TCATCTTCTTCATTATGATCTGACCTAATTTTTTTTTGATCTAGTGGCTCTGACATCTGC-3'
Protein context (NP_000457.1, residues 369-389): KIRSDHNEED[Glu379=]KACVLQVVWN

ClinVar aggregate classification (germline): Likely benign (0 of 4 stars; one submission).

Conditions:
PEX1-related disorder. Also called: PEX1-related condition.

Submission:

PreventionGenetics, part of Exact Sciences
Classification: Likely benign for PEX1-related condition. Last evaluated: 2024-09-06. Review status: no assertion criteria provided. Collection method: clinical testing. Allele origin: germline.
Comment: This variant is classified as likely benign based on ACMG/AMP sequence variant interpretation guidelines (Richards et al. 2015 PMID: 25741868, with internal and published modifications).